The following is an entry in ClinVar:

NM_001142800.2(EYS):c.6827C>T (p.Ala2276Val)

Gene: EYS (eyes shut homolog; minus strand). Cytogenetic location: 6q12.
Variant type: single nucleotide variant.
Coding change: c.6827C>T on transcript NM_001142800.2 (MANE Select); coding-DNA position 6827, C replaced by T.
Protein change: p.Ala2276Val; replaces alanine 2276 with valine.
Molecular consequence: missense variant.
Genome position (GRCh38, 1-based): chr6:63,999,082, G>A on the plus strand (C>T on the coding strand, the complement: EYS is on the minus strand). VCF-style: chr6-63999082-G-A. GRCh37 (hg19) VCF-style: chr6-64708975-G-A.
Other names: c.6827C>T, p.Ala2276Val (NM_001292009.2); short protein forms A2276V.
Identifiers: ClinVar variation 1403000 (VCV001403000.3), dbSNP rs1054721154, ClinGen allele CA140268543.
Genomic context (GRCh38, chr6:63,999,082, plus strand): 5'-CTGAAATACTGAGGGCACAATTAGTGTTTGGAACTGGATATTTGCATACCTACCTGAGAG[G>A]CATGGGAAATCTCTGTGTCTTTCTTCTGTACTGGAGGTTTTCCATCTGCAGTCATTTCAA-3'
Protein context (NP_001136272.1, residues 2266-2286): VQKKDTEISH[Ala2276Val]SQAYFESMFL

ClinVar aggregate classification (germline): Uncertain significance (1 of 4 stars; one submission).

Allele frequency attached by ClinVar (database versions not stated): gnomAD 0.00001; gnomAD exomes 0.00001; TOPMed 0.00002.
gnomAD v4.1: 15 of 1,544,646 alleles (0.00097%); highest among the groups gnomAD compares: Admixed American, 0.0039%; no homozygotes.

Submission:

Labcorp Genetics (formerly Invitae), Labcorp
Classification: Uncertain significance. Last evaluated: 2022-08-20. Review status: criteria provided, single submitter. Criteria: Invitae Variant Classification Sherloc (09022015). Collection method: clinical testing. Allele origin: germline.
Comment: This sequence change replaces alanine, which is neutral and non-polar, with valine, which is neutral and non-polar, at codon 2276 of the EYS protein (p.Ala2276Val). This variant is not present in population databases (gnomAD no frequency). This variant has not been reported in the literature in individuals affected with EYS-related conditions. ClinVar contains an entry for this variant (Variation ID: 1403000). Algorithms developed to predict the effect of missense changes on protein structure and function output the following: SIFT: "Tolerated"; PolyPhen-2: "Benign"; Align-GVGD: "Class C0". The valine amino acid residue is found in multiple mammalian species, which suggests that this missense change does not adversely affect protein function. In summary, the available evidence is currently insufficient to determine the role of this variant in disease. Therefore, it has been classified as a Variant of Uncertain Significance.